The following is an entry in ClinVar:

NM_000110.4(DPYD):c.1744A>G (p.Ile582Val)

Gene: DPYD (dihydropyrimidine dehydrogenase; minus strand). Cytogenetic location: 1p21.3.
Variant type: single nucleotide variant.
Coding change: c.1744A>G on transcript NM_000110.4 (MANE Select); coding-DNA position 1744, A replaced by G.
Protein change: p.Ile582Val; replaces isoleucine 582 with valine.
Molecular consequence: missense variant.
Genome position (GRCh38, 1-based): chr1:97,450,220, T>C on the plus strand (A>G on the coding strand, the complement: DPYD is on the minus strand). VCF-style: chr1-97450220-T-C. GRCh37 (hg19) VCF-style: chr1-97915776-T-C.
Other names: short protein forms I582V.
Identifiers: ClinVar variation 2453343 (VCV002453343.3), dbSNP rs889910324, ClinGen allele CA27501727.

ClinVar aggregate classification (germline): Uncertain significance (1 of 4 stars; one submission).

Conditions:
Inborn genetic diseases. Identifiers: MedGen C0950123, MeSH D030342.

Allele frequency attached by ClinVar (database versions not stated): gnomAD exomes 0.00001; TOPMed 0.00001; gnomAD 0.00003.
gnomAD v4.1: 14 of 1,613,382 alleles (0.00087%); highest among the groups gnomAD compares: African/African-American, 0.0067%; no homozygotes.

Submission:

Ambry Genetics
Classification: Uncertain significance for Inborn genetic diseases. Last evaluated: 2025-03-23. Review status: criteria provided, single submitter. Criteria: Ambry Variant Classification Scheme 2023. Collection method: clinical testing. Allele origin: germline.
Comment: The p.I582V variant (also known as c.1744A>G), located in coding exon 14 of the DPYD gene, results from an A to G substitution at nucleotide position 1744. The isoleucine at codon 582 is replaced by valine, an amino acid with highly similar properties. This amino acid position is conserved. In addition, this alteration is predicted to be tolerated by in silico analysis. Since supporting evidence is limited at this time, the clinical significance of this alteration remains unclear.